The following is an entry in ClinVar:

ClinVar aggregate classification (germline): Pathogenic/Likely pathogenic. Review status: criteria provided, multiple submitters, no conflicts (2 of 4 stars). 2 submissions from 2 submitters: Pathogenic (1); Likely pathogenic (1). Last evaluated 2025-03-18.

Conditions:
Cardiovascular phenotype. Identifiers: MedGen CN230736.

Submissions (2):

GeneDx
Classification: Pathogenic. Last evaluated: 2025-03-18. Review status: criteria provided, single submitter. Criteria: GeneDx Variant Classification Process June 2021. Collection method: clinical testing. Allele origin: germline. Affected: yes.
Comment: Identified in at least one patient with vascular Ehlers-Danlos syndrome (vEDS) in published literature (PMID: 24399159, 30793832); Not observed at significant frequency in large population cohorts (gnomAD); Deletions involving coding exons of this gene are a known mechanism of disease (HGMD); Canonical splice site variant predicted to result in an in-frame loss of the adjacent exon in a gene for which loss of function is a known mechanism of disease; This variant is associated with the following publications: (PMID: 30793832, 24399159)

Molecular Diagnostic Laboratory for Inherited Cardiovascular Disease, Montreal Heart Institute
Classification: Likely pathogenic for Cardiovascular phenotype. Last evaluated: 2019-03-01. Review status: criteria provided, single submitter. Criteria: ACMG Guidelines, 2015. Collection method: clinical testing. Allele origin: germline. Affected: yes.

NM_000090.4(COL3A1):c.1347+1G>C

Gene: COL3A1 (collagen type III alpha 1 chain; plus strand). Cytogenetic location: 2q32.2.
Variant type: single nucleotide variant.
Coding change: c.1347+1G>C on transcript NM_000090.4 (MANE Select); the canonical splice donor site of the intron after coding-DNA position 1347, G replaced by C.
Molecular consequence: splice donor variant.
Genome position (GRCh38, 1-based): chr2:188,994,595, G>C. VCF-style: chr2-188994595-G-C. GRCh37 (hg19) VCF-style: chr2-189859321-G-C.
Identifiers: ClinVar variation 3895300 (VCV003895300.2).
Genomic context (GRCh38, chr2:188,994,595, plus strand): 5'-CTTTAGGGTGAGCCTGGTAAGAATGGTGCCAAAGGAGAGCCCGGACCACGTGGTGAACGC[G>C]TAAGTTTTACTGCAACAGATCTGGTTATTTCTTGAAAAAATGCAACATAATTAGAAAGTA-3'